The following is an entry in ClinVar:

NM_001677.4(ATP1B1):c.97+10G>C

Gene: ATP1B1 (ATPase Na+/K+ transporting subunit beta 1; plus strand). Cytogenetic location: 1q24.2.
Variant type: single nucleotide variant.
Coding change: c.97+10G>C on transcript NM_001677.4 (MANE Select); 10 bases into the intron after coding-DNA position 97, G replaced by C.
Molecular consequence: intron variant.
Genome position (GRCh38, 1-based): chr1:169,106,936, G>C. VCF-style: chr1-169106936-G-C. GRCh37 (hg19) VCF-style: chr1-169076174-G-C.
Identifiers: ClinVar variation 917614 (VCV000917614.1), dbSNP rs1657604508, ClinGen allele CA1139656411.
Genomic context (GRCh38, chr1:169,106,936, plus strand): 5'-TCTGGAACTCAGAGAAGAAGGAGTTTCTGGGCAGGACCGGTGGCAGTTGGTGTAAGTACG[G>C]GGTCCGCAGCTCCCGGCCGCCGCGTCTGATCTTTCCCGGGCGGCGCATCCCCTGCGCAGG-3'

ClinVar aggregate classification (germline): Uncertain significance (1 of 4 stars; one submission).

Submission:

Women's Health and Genetics/Laboratory Corporation of America, LabCorp
Classification: Uncertain significance. Last evaluated: 2020-01-13. Review status: criteria provided, single submitter. Criteria: LabCorp Variant Classification Summary - May 2015. Collection method: clinical testing. Allele origin: germline.
Comment: Variant summary: ATP1B1 c.97+10G>C alters a non-conserved nucleotide located close to a canonical splice site and therefore could affect mRNA splicing, leading to a significantly altered protein sequence. 4/4 computational tools predict no significant impact on normal splicing. However, these predictions have yet to be confirmed by functional studies. The variant was absent in 204572 control chromosomes (gnomAD). The available data on variant occurrences in the general population are insufficient to allow any conclusion about variant significance. To our knowledge, no occurrence of c.97+10G>C in individuals affected with Arrhythmia and no experimental evidence demonstrating an impact on protein function have been reported. No clinical diagnostic laboratories have submitted clinical-significance assessments for this variant to ClinVar after 2014. Based on the evidence outlined above, the variant was classified as uncertain significance.